The following is an entry in ClinVar:

ClinVar aggregate classification (germline): Likely benign. Review status: criteria provided, multiple submitters, no conflicts (2 of 4 stars). 2 submissions from 2 submitters: Likely benign (2). Last evaluated 2026-09-23.

Conditions:
Neurofibromatosis, type 1 (NF1). Also called: Neurofibromatosis, type I; NEUROFIBROMATOSIS, TYPE I, SOMATIC; VON RECKLINGHAUSEN DISEASE; Peripheral type neurofibromatosis. Identifiers: Orphanet 636, MedGen C0027831, MONDO:0018975, OMIM 162200. Disease mechanism: loss of function.

Allele frequency attached by ClinVar (database versions not stated): gnomAD exomes below 0.00001.
gnomAD v4.1: 2 of 1,612,596 alleles (0.00012%); highest among the groups gnomAD compares: Non-Finnish European, 0.00017%; no homozygotes.

Submissions (2):

Myriad Genetics, Inc.
Classification: Likely benign for Neurofibromatosis, type 1. Last evaluated: 2026-09-23. Review status: criteria provided, single submitter. Criteria: Myriad Autosomal Dominant, Autosomal Recessive and X-Linked Classification Criteria (2023). Collection method: clinical testing. Allele origin: unknown.
Comment: This variant is considered likely benign. This variant is intronic and is not expected to impact mRNA splicing.

Labcorp Genetics (formerly Invitae), Labcorp
Classification: Likely benign for Neurofibromatosis, type 1. Last evaluated: 2022-05-12. Review status: criteria provided, single submitter. Criteria: Invitae Variant Classification Sherloc (09022015). Collection method: clinical testing. Allele origin: germline.

NM_001042492.3(NF1):c.2850+7T>G

Gene: NF1 (neurofibromin 1; plus strand). Cytogenetic location: 17q11.2.
Variant type: single nucleotide variant.
Coding change: c.2850+7T>G on transcript NM_001042492.3 (MANE Select); 7 bases into the intron after coding-DNA position 2850, T replaced by G.
Molecular consequence: intron variant.
Genome position (GRCh38, 1-based): chr17:31,229,472, T>G. VCF-style: chr17-31229472-T-G. GRCh37 (hg19) VCF-style: chr17-29556490-T-G.
Other names: c.2850+7T>G (NM_000267.4).
Identifiers: ClinVar variation 2115490 (VCV002115490.5), dbSNP rs2151429871, ClinGen allele CA2580093397.
Genomic context (GRCh38, chr17:31,229,472, plus strand): 5'-CTATTTAACAAATTGAAGAATACCATCAGCAAGTTTTTTGACTCCCAAGGACAGGTAAAG[T>G]GTTCTCTTATTTTTCACCTTTCTCTATGAATAGAGTGACTTGTTTGAAATAAGCCTTTTT-3'